The following is an entry in ClinVar:

NM_001164508.2(NEB):c.10012G>A (p.Val3338Met)

Gene: NEB (nebulin; minus strand). Cytogenetic location: 2q23.3.
Variant type: single nucleotide variant.
Coding change: c.10012G>A on transcript NM_001164508.2 (MANE Select); coding-DNA position 10012, G replaced by A.
Protein change: p.Val3338Met; replaces valine 3338 with methionine.
Molecular consequence: missense variant.
Genome position (GRCh38, 1-based): chr2:151,627,654, C>T on the plus strand (G>A on the coding strand, the complement: NEB is on the minus strand). VCF-style: chr2-151627654-C-T. GRCh37 (hg19) VCF-style: chr2-152484168-C-T.
Other names: c.10012G>A, p.Val3338Met (NM_001164507.2, NM_001271208.2); c.9283G>A, p.Val3095Met (NM_004543.5); short protein forms V3338M, V3095M.
Identifiers: ClinVar variation 1436768 (VCV001436768.5), dbSNP rs534475193, ClinGen allele CA1909146.

ClinVar aggregate classification (germline): Uncertain significance (1 of 4 stars; one submission).

Conditions:
Nemaline myopathy 2 (NEM2). Also called: Nemaline myopathy 2, autosomal recessive. Identifiers: MedGen C1850569, MONDO:0009725, OMIM 256030.

Allele frequency attached by ClinVar (database versions not stated): gnomAD exomes below 0.00001; TOPMed below 0.00001; gnomAD 0.00001; ExAC 0.00002; 1000 Genomes Project 30x 0.00016; 1000 Genomes Project 0.00020.
gnomAD v4.1: 5 of 1,614,012 alleles (0.00031%); highest among the groups gnomAD compares: East Asian, 0.0022%; no homozygotes.

Submission:

Labcorp Genetics (formerly Invitae), Labcorp
Classification: Uncertain significance for Nemaline myopathy 2. Last evaluated: 2022-03-23. Review status: criteria provided, single submitter. Criteria: Invitae Variant Classification Sherloc (09022015). Collection method: clinical testing. Allele origin: germline.
Comment: This sequence change replaces valine, which is neutral and non-polar, with methionine, which is neutral and non-polar, at codon 3338 of the NEB protein (p.Val3338Met). This variant is present in population databases (rs534475193, gnomAD 0.007%). This variant has not been reported in the literature in individuals affected with NEB-related conditions. Algorithms developed to predict the effect of missense changes on protein structure and function are either unavailable or do not agree on the potential impact of this missense change (SIFT: "Deleterious"; PolyPhen-2: "Not Available"; Align-GVGD: "Class C0"). In summary, the available evidence is currently insufficient to determine the role of this variant in disease. Therefore, it has been classified as a Variant of Uncertain Significance.